The following is an entry in ClinVar:

NM_024675.4(PALB2):c.2401G>C (p.Asp801His)

Gene: PALB2 (partner and localizer of BRCA2; minus strand). Cytogenetic location: 16p12.2.
Variant type: single nucleotide variant.
Coding change: c.2401G>C on transcript NM_024675.4 (MANE Select); coding-DNA position 2401, G replaced by C.
Protein change: p.Asp801His; replaces aspartic acid 801 with histidine.
Molecular consequence: missense variant. On other transcripts: intron variant (1).
Genome position (GRCh38, 1-based): chr16:23,629,753, C>G on the plus strand (G>C on the coding strand, the complement: PALB2 is on the minus strand). VCF-style: chr16-23629753-C-G. GRCh37 (hg19) VCF-style: chr16-23641074-C-G.
Other names: c.2341G>C, p.Asp781His (NM_001407296.1); c.2401G>C, p.Asp801His (NM_001407297.1, NM_001407298.1, NM_001407299.1 and 3 more transcripts); c.1516G>C, p.Asp506His (NM_001407304.1, NM_001407305.1, NM_001407306.1 and 5 more transcripts); c.613G>C, p.Asp205His (NM_001407312.1, NM_001407313.1); c.49-478G>C (NM_001407314.1); short protein forms D205H, D801H, D506H, D781H.
Identifiers: ClinVar variation 4742296 (VCV004742296.1).

ClinVar aggregate classification (germline): Uncertain significance (1 of 4 stars; one submission).

Conditions:
Familial cancer of breast. Also called: BREAST CANCER, FAMILIAL; Hereditary breast cancer; hereditary breast carcinoma. Identifiers: Orphanet 227535, MedGen C0346153, MONDO:0016419, OMIM 114480. Disease mechanism: loss of function.

Submission:

Labcorp Genetics (formerly Invitae), Labcorp
Classification: Uncertain significance for Familial cancer of breast. Last evaluated: 2025-12-12. Review status: criteria provided, single submitter. Criteria: Invitae Variant Classification Sherloc (09022015). Collection method: clinical testing. Allele origin: germline.
Comment: This sequence change replaces aspartic acid, which is acidic and polar, with histidine, which is basic and polar, at codon 801 of the PALB2 protein (p.Asp801His). This variant is not present in population databases (gnomAD no frequency). This variant has not been reported in the literature in individuals affected with PALB2-related conditions. Invitae Evidence Modeling of protein sequence and biophysical properties (such as structural, functional, and spatial information, amino acid conservation, physicochemical variation, residue mobility, and thermodynamic stability) indicates that this missense variant is not expected to disrupt PALB2 protein function with a negative predictive value of 80%. In summary, the available evidence is currently insufficient to determine the role of this variant in disease. Therefore, it has been classified as a Variant of Uncertain Significance.